The following is an entry in ClinVar:

NM_001089.3(ABCA3):c.2614A>G (p.Ser872Gly)

Gene: ABCA3 (ATP binding cassette subfamily A member 3; minus strand). Cytogenetic location: 16p13.3.
Variant type: single nucleotide variant.
Coding change: c.2614A>G on transcript NM_001089.3 (MANE Select); coding-DNA position 2614, A replaced by G.
Protein change: p.Ser872Gly; replaces serine 872 with glycine.
Molecular consequence: missense variant.
Genome position (GRCh38, 1-based): chr16:2,289,520, T>C on the plus strand (A>G on the coding strand, the complement: ABCA3 is on the minus strand). VCF-style: chr16-2289520-T-C. GRCh37 (hg19) VCF-style: chr16-2339521-T-C.
Other names: short protein forms S872G.
Identifiers: ClinVar variation 884832 (VCV000884832.19), dbSNP rs151078160, ClinGen allele CA090914.

ClinVar aggregate classification (germline): Conflicting classifications of pathogenicity. Review status: criteria provided, conflicting classifications (1 of 4 stars). 7 submissions from 7 submitters: Uncertain significance (5); Likely benign (2). Last evaluated 2026-02-12.

Conditions:
Hereditary pulmonary alveolar proteinosis. Also called: Pulmonary surfactant metabolism dysfunction. Identifiers: Orphanet 264675, MedGen C3711368, MONDO:0012580.
Interstitial lung disease due to ABCA3 deficiency. Also called: PULMONARY ALVEOLAR PROTEINOSIS, CONGENITAL, 3. Identifiers: Orphanet 440402, MedGen C1970456, MONDO:0012582, OMIM 610921.
ABCA3-related disorder. Also called: ABCA3-related condition.

Allele frequency attached by ClinVar (database versions not stated): gnomAD exomes 0.00013 and 0.00023; ExAC 0.00045; ESP Exome Variant Server 0.00054; gnomAD 0.00059 and 0.00063; 1000 Genomes Project 0.00060; TOPMed 0.00060; 1000 Genomes Project 30x 0.00062.
gnomAD v4.1: 290 of 1,587,998 alleles (0.018%); highest among the groups gnomAD compares: African/African-American, 0.18%; no homozygotes.

Submissions (7):

PreventionGenetics, part of Exact Sciences
Classification: Likely benign for ABCA3-related condition. Last evaluated: 2026-02-12. Review status: criteria provided, single submitter. Criteria: ACMG Guidelines, 2015. Collection method: clinical testing. Allele origin: germline.
Comment: This variant is classified as likely benign based on ACMG/AMP sequence variant interpretation guidelines (Richards et al. 2015 PMID: 25741868, with internal and published modifications).

Labcorp Genetics (formerly Invitae), Labcorp
Classification: Likely benign. Last evaluated: 2026-01-31. Review status: criteria provided, single submitter. Criteria: Invitae Variant Classification Sherloc (09022015). Collection method: clinical testing. Allele origin: germline.

GeneDx
Classification: Uncertain significance. Last evaluated: 2025-05-14. Review status: criteria provided, single submitter. Criteria: GeneDx Variant Classification Process June 2021. Collection method: clinical testing. Allele origin: germline. Affected: yes.
Comment: Reported in a patient with neonatal respiratory distress and/or interstitial lung disease in the literature; however, a second variant in this gene was not reported (PMID: 22068586); In silico analysis suggests that this missense variant does not alter protein structure/function; This variant is associated with the following publications: (PMID: 22068586)

Johns Hopkins Genomics, Johns Hopkins University
Classification: Uncertain significance for Interstitial lung disease due to ABCA3 deficiency. Last evaluated: 2025-04-16. Review status: criteria provided, single submitter. Criteria: ACMG Guidelines, 2015. Collection method: clinical testing. Allele origin: germline.
Comment: The clinical significance of this variant is uncertain (BP4).

Blueprint Genetics
Classification: Uncertain significance. Last evaluated: 2024-09-19. Review status: criteria provided, single submitter. Criteria: ACMG Guidelines, 2015. Collection method: clinical testing. Allele origin: germline.

Illumina Laboratory Services, Illumina
Classification: Uncertain significance for Interstitial lung disease due to ABCA3 deficiency. Last evaluated: 2017-04-28. Review status: criteria provided, single submitter. Criteria: ICSL Variant Classification Criteria 13 December 2019. Collection method: clinical testing. Allele origin: germline.
Comment: This variant was observed as part of a predisposition screen in an ostensibly healthy population. A literature search was performed for the gene, cDNA change, and amino acid change (where applicable). Publications were found based on this search. However, the evidence from the literature, in combination with allele frequency data from public databases where available, was not sufficient to rule this variant in or out of causing disease. Therefore, this variant is classified as a variant of unknown significance.

Ambry Genetics
Classification: Uncertain significance for Hereditary pulmonary alveolar proteinosis. Last evaluated: 2016-02-24. Review status: criteria provided, single submitter. Criteria: Ambry Variant Classification Scheme 2023. Collection method: clinical testing. Allele origin: germline.
Comment: The p.S872G variant (also known as c.2614A>G), located in coding exon 17 of the ABCA3 gene, results from an A to G substitution at nucleotide position 2614. The serine at codon 872 is replaced by glycine, an amino acid with similar properties. In one study, p.S872G was detected in a individual with respiratory distress syndrome and interstitial lung disease; however, a second alteration was not detected (Flamein F et al, Hum. Mol. Genet. 2012 Feb; 21(4):765-75). This variant was previously reported in the SNPDatabase as rs151078160. Based on data from the NHLBI Exome Sequencing Project (ESP), the G allele has an overall frequency of approximately 0.05% (7/12974) total alleles studied, having been observed in 0.11% (5/4384) African American alleles and 0.02% (2/8590) European American alleles. This amino acid position is not well conserved in available vertebrate species. In addition, this alteration is predicted to be benign and tolerated by PolyPhen and SIFT in silico analyses, respectively. Since supporting evidence is limited at this time, the clinical significance of this variant remains unclear.

Literature cited by the submitters: PubMed 22068586 (cited by 3 submitters).